The following is an entry in ClinVar:

ClinVar aggregate classification (germline): Pathogenic. Review status: criteria provided, single submitter (1 of 4 stars). 2 submissions from 2 submitters: Pathogenic (1). 1 of the submissions does not count toward it. Last evaluated 2025-07-14.

Conditions:
Analbuminemia (ANALBA). Also called: Analbuminemia, American Indian type; Analbuminemia, Vancouver. Identifiers: Orphanet 86816, MedGen C0878666, OMIM 616000.

Submissions (2):

Labcorp Genetics (formerly Invitae), Labcorp
Classification: Pathogenic. Last evaluated: 2025-07-14. Review status: criteria provided, single submitter. Criteria: Invitae Variant Classification Sherloc (09022015). Collection method: clinical testing. Allele origin: germline.
Comment: This sequence change creates a premature translational stop signal (p.Asn291Lysfs*8) in the ALB gene. It is expected to result in an absent or disrupted protein product. Loss-of-function variants in ALB are known to be pathogenic (PMID: 12028999). This variant is not present in population databases (gnomAD no frequency). This premature translational stop signal has been observed in individual(s) with analbuminemia (PMID: 8134387). ClinVar contains an entry for this variant (Variation ID: 18224). For these reasons, this variant has been classified as Pathogenic.

OMIM
Classification: Pathogenic for ANALBUMINEMIA ROMA. Last evaluated: 1994-03-15. Review status: no assertion criteria provided. Collection method: literature only. Allele origin: germline. Not counted in ClinVar's aggregate classification.

Literature cited by the submitters: PubMed 12028999 (cited by Labcorp Genetics (formerly Invitae), Labcorp); PubMed 8134387 (cited by Labcorp Genetics (formerly Invitae), Labcorp and OMIM).

NM_000477.7(ALB):c.872dup (p.Asn291fs)

Gene: ALB (albumin; plus strand). Cytogenetic location: 4q13.3.
Variant type: Duplication.
Coding change: c.872dup on transcript NM_000477.7 (MANE Select); coding-DNA position 872, one base duplicated (A; older notation c.872dupA).
Protein change: p.Asn291fs; shifts the reading frame from asparagine 291.
Molecular consequence: frameshift variant.
Genome position (GRCh38, 1-based): chr4:73,413,448, A duplicated; the last of 4 consecutive A bases (chr4:73,413,445-73,413,448); duplicating any one gives the same sequence. VCF-style (leftmost placement, unchanged base first): chr4-73413444-G-GA. GRCh37 (hg19) VCF-style: chr4-74279161-G-GA.
Other names: analbuminemia Roma; short protein forms N291fs.
Identifiers: ClinVar variation 18224 (VCV000018224.6), dbSNP rs77449454, ClinGen allele CA127950.